The following is an entry in ClinVar:

ClinVar aggregate classification (germline): Uncertain significance (1 of 4 stars; one submission).

Conditions:
Hereditary spastic paraplegia 11. Also called: Spastic paraplegia, mental retardation and thin corpus callosum; Nakamura Osame syndrome; Autosomal recessive hereditary spastic paraplegia, mental impairment, and thin corpus callosum; SPASTIC PARAPLEGIA, AUTOSOMAL RECESSIVE, COMPLICATED, WITH THIN CORPUS CALLOSUM; SPASTIC PARAPLEGIA, AUTOSOMAL RECESSIVE, WITH MENTAL IMPAIRMENT AND THIN CORPUS CALLOSUM; Spastic Paraplegia 11. Identifiers: Orphanet 2822, MedGen C1858479, MONDO:0011445, OMIM 604360.

Allele frequency attached by ClinVar (database versions not stated): TOPMed below 0.00001.

Submission:

Labcorp Genetics (formerly Invitae), Labcorp
Classification: Uncertain significance for Hereditary spastic paraplegia 11. Last evaluated: 2022-01-26. Review status: criteria provided, single submitter. Criteria: Invitae Variant Classification Sherloc (09022015). Collection method: clinical testing. Allele origin: germline.
Comment: This sequence change replaces serine, which is neutral and polar, with phenylalanine, which is neutral and non-polar, at codon 153 of the SPG11 protein (p.Ser153Phe). This variant is not present in population databases (gnomAD no frequency). This variant has not been reported in the literature in individuals affected with SPG11-related conditions. Algorithms developed to predict the effect of missense changes on protein structure and function are either unavailable or do not agree on the potential impact of this missense change (SIFT: "Deleterious"; PolyPhen-2: "Probably Damaging"; Align-GVGD: "Class C0"). In summary, the available evidence is currently insufficient to determine the role of this variant in disease. Therefore, it has been classified as a Variant of Uncertain Significance.

NM_025137.4(SPG11):c.458C>T (p.Ser153Phe)

Gene: SPG11 (SPG11 vesicle trafficking associated, spatacsin; minus strand). Cytogenetic location: 15q21.1.
Variant type: single nucleotide variant.
Coding change: c.458C>T on transcript NM_025137.4 (MANE Select); coding-DNA position 458, C replaced by T.
Protein change: p.Ser153Phe; replaces serine 153 with phenylalanine.
Molecular consequence: missense variant.
Genome position (GRCh38, 1-based): chr15:44,659,288, G>A on the plus strand (C>T on the coding strand, the complement: SPG11 is on the minus strand). VCF-style: chr15-44659288-G-A. GRCh37 (hg19) VCF-style: chr15-44951486-G-A.
Other names: c.458C>T, p.Ser153Phe (NM_001160227.2, NM_001411132.1); short protein forms S153F.
Identifiers: ClinVar variation 2154964 (VCV002154964.4), dbSNP rs2085033804, ClinGen allele CA392238012.